The following is an entry in ClinVar:

ClinVar aggregate classification (germline): Likely pathogenic (1 of 4 stars; one submission).

Conditions:
Long QT syndrome (LQTS). Identifiers: MedGen C0023976, MeSH D008133, MONDO:0002442. Disease mechanism: loss of function. Inheritance: Various modes of inheritance.

Submission:

Labcorp Genetics (formerly Invitae), Labcorp
Classification: Likely pathogenic for Long QT syndrome. Last evaluated: 2022-09-21. Review status: criteria provided, single submitter. Criteria: Invitae Variant Classification Sherloc (09022015). Collection method: clinical testing. Allele origin: germline.
Comment: In summary, the currently available evidence indicates that the variant is pathogenic, but additional data are needed to prove that conclusively. Therefore, this variant has been classified as Likely Pathogenic. Algorithms developed to predict the effect of sequence changes on RNA splicing suggest that this variant may disrupt the consensus splice site. This variant has not been reported in the literature in individuals affected with KCNH2-related conditions. This variant is not present in population databases (gnomAD no frequency). This sequence change affects an acceptor splice site in intron 10 of the KCNH2 gene. It is expected to disrupt RNA splicing. Variants that disrupt the donor or acceptor splice site typically lead to a loss of protein function (PMID: 16199547), and loss-of-function variants in KCNH2 are known to be pathogenic (PMID: 10973849, 19862833).

Literature cited by the submitters: PubMed 16199547; PubMed 10973849; PubMed 19862833.

NM_000238.4(KCNH2):c.2593-1G>C

Gene: KCNH2 (potassium voltage-gated channel subfamily H member 2; minus strand). Cytogenetic location: 7q36.1.
Variant type: single nucleotide variant.
Coding change: c.2593-1G>C on transcript NM_000238.4 (MANE Select); the canonical splice acceptor site of the intron before coding-DNA position 2593, G replaced by C.
Molecular consequence: splice acceptor variant.
Genome position (GRCh38, 1-based): chr7:150,948,544, C>G on the plus strand (G>C on the coding strand, the complement: KCNH2 is on the minus strand). VCF-style: chr7-150948544-C-G. GRCh37 (hg19) VCF-style: chr7-150645632-C-G.
Other names: c.2305-1G>C (NM_001406753.1); c.1573-1G>C (NM_172057.3).
Identifiers: ClinVar variation 2128179 (VCV002128179.4), dbSNP rs2486013081, ClinGen allele CA369853977.